The following is an entry in ClinVar:

ClinVar aggregate classification (germline): Likely benign (1 of 4 stars; one submission).

gnomAD v4.1: 1 of 1,613,546 alleles (0.000062%); no homozygotes.

Submission:

CeGaT Center for Human Genetics Tuebingen
Classification: Likely benign. Last evaluated: 2022-04-01. Review status: criteria provided, single submitter. Criteria: CeGaT Center For Human Genetics Tuebingen Variant Classification Criteria Version 2. Collection method: clinical testing. Allele origin: germline. Affected: yes. Observed: 1 variant allele.
Comment: ABCA7: PM2:Supporting, BP4, BP7

NM_019112.4(ABCA7):c.6315G>T (p.Gly2105=)

Gene: ABCA7 (ATP binding cassette subfamily A member 7; plus strand). Cytogenetic location: 19p13.3.
Variant type: single nucleotide variant.
Coding change: c.6315G>T on transcript NM_019112.4 (MANE Select); coding-DNA position 6315, G replaced by T.
Protein change: p.Gly2105=; no amino-acid change (glycine 2105 retained).
Molecular consequence: synonymous variant.
Genome position (GRCh38, 1-based): chr19:1,065,299, G>T. VCF-style: chr19-1065299-G-T. GRCh37 (hg19) VCF-style: chr19-1065298-G-T.
Identifiers: ClinVar variation 2648897 (VCV002648897.24), dbSNP rs993256685, ClinGen allele CA504699385.
Genomic context (GRCh38, chr19:1,065,299, plus strand): 5'-CTCTTGTCCCCTCTGGGCTGCCCACCGCTAGGTATTCTTGTACTTCTCCAAGGACCAGGG[G>T]AAGGACGAGGACACCGAAGAGCAGAAGGAGGCAGGAGTGGGAGTGGACCCCGCGCCAGGC-3'
Protein context (NP_061985.2, residues 2095-2115): EVFLYFSKDQ[Gly2105=]KDEDTEEQKE